The following is an entry in ClinVar:

NM_006366.3(CAP2):c.1003-5T>G

Gene: CAP2 (cyclase associated actin cytoskeleton regulatory protein 2; plus strand). Cytogenetic location: 6p22.3.
Variant type: single nucleotide variant.
Coding change: c.1003-5T>G on transcript NM_006366.3 (MANE Select); 5 bases into the intron before coding-DNA position 1003, T replaced by G.
Molecular consequence: intron variant.
Genome position (GRCh38, 1-based): chr6:17,542,832, T>G. VCF-style: chr6-17542832-T-G. GRCh37 (hg19) VCF-style: chr6-17543063-T-G.
Other names: c.667-5T>G (NM_001363533.2); c.925-5T>G (NM_001363534.2).
Identifiers: ClinVar variation 2656254 (VCV002656254.24), dbSNP rs1762938655, ClinGen allele CA1613241729.

ClinVar aggregate classification (germline): Uncertain significance (1 of 4 stars; one submission).

Allele frequency attached by ClinVar (database versions not stated): gnomAD exomes below 0.00001; TOPMed below 0.00001.
gnomAD v4.1: 6 of 1,606,584 alleles (0.00037%); highest among the groups gnomAD compares: Non-Finnish European, 0.00051%; no homozygotes.

Submission:

CeGaT Center for Human Genetics Tuebingen
Classification: Uncertain significance. Last evaluated: 2022-04-01. Review status: criteria provided, single submitter. Criteria: CeGaT Center For Human Genetics Tuebingen Variant Classification Criteria Version 2. Collection method: clinical testing. Allele origin: germline. Affected: yes. Observed: 1 variant allele.
Comment: CAP2: PM2, BP4